The following is an entry in ClinVar:

NM_015627.3(LDLRAP1):c.283C>T (p.Arg95Trp)

Gene: LDLRAP1 (low density lipoprotein receptor adaptor protein 1; plus strand). Cytogenetic location: 1p36.11.
Variant type: single nucleotide variant.
Coding change: c.283C>T on transcript NM_015627.3 (MANE Select); coding-DNA position 283, C replaced by T.
Protein change: p.Arg95Trp; replaces arginine 95 with tryptophan.
Molecular consequence: missense variant.
Genome position (GRCh38, 1-based): chr1:25,554,911, C>T. VCF-style: chr1-25554911-C-T. GRCh37 (hg19) VCF-style: chr1-25881402-C-T.
Other names: short protein forms R95W.
Identifiers: ClinVar variation 3233863 (VCV003233863.3), dbSNP rs754749143, ClinGen allele CA695493.
Genomic context (GRCh38, chr1:25,554,911, plus strand): 5'-GCTCCCAAGGCTAAGGCCAGTGGGAAGAAGCTGCAGAAGGTGACTCTGAAGGTGTCGCCA[C>T]GGGGAATTATCCTGACAGACAACCTCACCAACCAGCTCATTGAGAACGTGTCCATATACA-3'
Protein context (NP_056442.2, residues 85-105): LQKVTLKVSP[Arg95Trp]GIILTDNLTN

ClinVar aggregate classification (germline): Uncertain significance. Review status: criteria provided, multiple submitters, no conflicts (2 of 4 stars). 2 submissions from 2 submitters: Uncertain significance (2). Last evaluated 2024-03-19.

Allele frequency attached by ClinVar (database versions not stated): gnomAD 0.00001; TOPMed 0.00001; gnomAD exomes 0.00002; ExAC 0.00003.
gnomAD v4.1: 25 of 1,614,084 alleles (0.0015%); highest among the groups gnomAD compares: East Asian, 0.02%; no homozygotes.

Submissions (2):

Women's Health and Genetics/Laboratory Corporation of America, LabCorp
Classification: Uncertain significance. Last evaluated: 2024-03-19. Review status: criteria provided, single submitter. Criteria: LabCorp Variant Classification Summary - May 2015. Collection method: clinical testing. Allele origin: germline.
Comment: Variant summary: LDLRAP1 c.283C>T (p.Arg95Trp) results in a non-conservative amino acid change located in the PTB/PI domain (IPR006020) of the encoded protein sequence. Four of five in-silico tools predict a damaging effect of the variant on protein function. The variant allele was found at a frequency of 3.2e-05 in 251388 control chromosomes (gnomAD). The available data on variant occurrences in the general population are insufficient to allow any conclusion about variant significance. c.283C>T has been reported in the literature in heterozygous individuals affected with elevated LDL cholesterol without strong evidence of causality (Tada_2018). This report does not provide unequivocal conclusions about association of the variant with Familial Hypercholesterolemia. To our knowledge, no experimental evidence demonstrating an impact on protein function has been reported. The following publication has been ascertained in the context of this evaluation (PMID: 30241732). No submitters have cited clinical-significance assessments for this variant to ClinVar. Based on the evidence outlined above, the variant was classified as uncertain significance.

GeneDx
Classification: Uncertain significance. Last evaluated: 2023-05-26. Review status: criteria provided, single submitter. Criteria: GeneDx Variant Classification Process June 2021. Collection method: clinical testing. Allele origin: germline. Affected: yes.
Comment: In silico analysis supports that this missense variant has a deleterious effect on protein structure/function; This variant is associated with the following publications: (PMID: 30241732)

Literature cited by the submitters: PubMed 30241732 (cited by Women's Health and Genetics/Laboratory Corporation of America, LabCorp).